The following is an entry in ClinVar:

NM_007294.4(BRCA1):c.1139del (p.Gln380fs)

Gene: BRCA1 (BRCA1 DNA repair associated; minus strand). Cytogenetic location: 17q21.31.
Variant type: Deletion.
Coding change: c.1139del on transcript NM_007294.4 (MANE Select); coding-DNA position 1139, one base deleted (A; older notation c.1139delA).
Protein change: p.Gln380fs; shifts the reading frame from glutamine 380.
Molecular consequence: frameshift variant. On other transcripts: intron variant (137).
Genome position (GRCh38, 1-based): chr17:43,094,392, T deleted on the plus strand (A on the coding strand, the reverse complement: BRCA1 is on the minus strand). VCF-style (leftmost placement, unchanged base first): chr17-43094391-CT-C. GRCh37 (hg19) VCF-style: chr17-41246408-CT-C.
Other names: c.926del, p.Gln309fs (NM_001407571.1, NM_001407853.1, NM_001407894.1 and 9 more transcripts); c.1139del, p.Gln380fs (NM_001407581.1, NM_001407582.1, NM_001407583.1 and 30 more transcripts); c.1136del, p.Gln379fs (NM_001407587.1, NM_001407590.1, NM_001407591.1 and 22 more transcripts); c.1130del, p.Gln377fs (NM_001407646.1, NM_001407647.1); c.1016del, p.Gln339fs (NM_001407648.1, NM_001407664.1, NM_001407665.1 and 19 more transcripts); c.1013del, p.Gln338fs (NM_001407649.1, NM_001407670.1, NM_001407671.1 and 11 more transcripts); c.1061del, p.Gln354fs (NM_001407653.1, NM_001407654.1, NM_001407655.1 and 4 more transcripts); c.1058del, p.Gln353fs (NM_001407659.1, NM_001407660.1, NM_001407661.1 and 1 more transcripts); and 41 more; short protein forms Q212fs, Q252fs, Q253fs, Q268fs, Q269fs, Q291fs, Q292fs, Q309fs.
Identifiers: ClinVar variation 4533099 (VCV004533099.1).

ClinVar aggregate classification (germline): Likely pathogenic (1 of 4 stars; one submission).

Submission:

Quest Diagnostics Nichols Institute San Juan Capistrano
Classification: Likely pathogenic. Last evaluated: 2025-06-16. Review status: criteria provided, single submitter. Criteria: Quest Diagnostics criteria. Collection method: clinical testing. Allele origin: unknown.
Comment: The BRCA1 c.1139del (p.Gln380Argfs*14) variant alters the translational reading frame of the BRCA1 mRNA and is predicted to cause the premature termination of BRCA1 protein synthesis. This variant has not been reported in individuals with BRCA1-related conditions in the published literature. This variant has not been reported in large, multi-ethnic general populations (Genome Aggregation Database). Based on the available information, this variant is classified as likely pathogenic.